The following is an entry in ClinVar:

NM_000179.3(MSH6):c.3006C>G (p.Gly1002=)

Gene: MSH6 (mutS homolog 6; plus strand). Cytogenetic location: 2p16.3.
Variant type: single nucleotide variant.
Coding change: c.3006C>G on transcript NM_000179.3 (MANE Select); coding-DNA position 3006, C replaced by G.
Protein change: p.Gly1002=; no amino-acid change (glycine 1002 retained).
Molecular consequence: synonymous variant.
Genome position (GRCh38, 1-based): chr2:47,800,989, C>G. VCF-style: chr2-47800989-C-G. GRCh37 (hg19) VCF-style: chr2-48028128-C-G.
Other names: c.2616C>G, p.Gly872= (NM_001281492.2); c.2100C>G, p.Gly700= (NM_001281493.2, NM_001281494.2).
Identifiers: ClinVar variation 455227 (VCV000455227.12), dbSNP rs878853726, ClinGen allele CA426121653.

ClinVar aggregate classification (germline): Benign/Likely benign. Review status: criteria provided, multiple submitters, no conflicts (2 of 4 stars). 3 submissions from 3 submitters: Benign (1); Likely benign (2). Last evaluated 2025-10-05.

Conditions:
Hereditary nonpolyposis colorectal neoplasms. Identifiers: MedGen C0009405, MeSH D003123.
Hereditary cancer-predisposing syndrome. Also called: Hereditary Cancer Syndrome; Hereditary neoplastic syndrome; Neoplastic Syndromes, Hereditary; Tumor predisposition. Identifiers: Orphanet 140162, MedGen C0027672, MeSH D009386, MONDO:0015356.
Lynch syndrome 5 (LYNCH5). Also called: Hereditary non-polyposis colorectal cancer, type 5; Colorectal cancer, hereditary nonpolyposis, type 5. Identifiers: Orphanet 144, MedGen C1833477, MONDO:0013710, OMIM 614350. Disease mechanism: loss of function.

Allele frequency attached by ClinVar (database versions not stated): TOPMed below 0.00001; gnomAD 0.00001.

Submissions (3):

Labcorp Genetics (formerly Invitae), Labcorp
Classification: Likely benign for Hereditary nonpolyposis colorectal neoplasms. Last evaluated: 2025-10-05. Review status: criteria provided, single submitter. Criteria: Invitae Variant Classification Sherloc (09022015). Collection method: clinical testing. Allele origin: germline.

Myriad Genetics, Inc.
Classification: Benign for Lynch syndrome 5. Last evaluated: 2025-01-02. Review status: criteria provided, single submitter. Criteria: Myriad Autosomal Dominant, Autosomal Recessive and X-Linked Classification Criteria (2023). Collection method: clinical testing. Allele origin: unknown.
Comment: This variant is considered benign. This variant is a silent/synonymous amino acid change and it is not expected to impact splicing.

Ambry Genetics
Classification: Likely benign for Hereditary cancer-predisposing syndrome. Last evaluated: 2022-03-29. Review status: criteria provided, single submitter. Criteria: Ambry Variant Classification Scheme 2023. Collection method: clinical testing. Allele origin: germline.